The following is an entry in ClinVar:

ClinVar aggregate classification (germline): Uncertain significance. Review status: criteria provided, multiple submitters, no conflicts (2 of 4 stars). 2 submissions from 2 submitters: Uncertain significance (2). Last evaluated 2025-08-11.

Conditions:
Fanconi anemia complementation group J. Also called: BRIP1-Related Fanconi Anemia. Identifiers: Orphanet 84, MedGen C1836860, MONDO:0012187, OMIM 609054.
Familial cancer of breast. Also called: BREAST CANCER, FAMILIAL; Hereditary breast cancer; hereditary breast carcinoma. Identifiers: Orphanet 227535, MedGen C0346153, MONDO:0016419, OMIM 114480. Disease mechanism: loss of function.
Hereditary cancer-predisposing syndrome. Also called: Tumor predisposition; Neoplastic Syndromes, Hereditary; Hereditary Cancer Syndrome; Hereditary neoplastic syndrome. Identifiers: Orphanet 140162, MedGen C0027672, MeSH D009386, MONDO:0015356.

Allele frequency attached by ClinVar (database versions not stated): gnomAD exomes below 0.00001.
gnomAD v4.1: 1 of 1,613,162 alleles (0.000062%); highest among the groups gnomAD compares: African/African-American, 0.0013%; no homozygotes.

Submissions (2):

Ambry Genetics
Classification: Uncertain significance for Hereditary cancer-predisposing syndrome. Last evaluated: 2025-08-11. Review status: criteria provided, single submitter. Criteria: Ambry Variant Classification Scheme 2023. Collection method: clinical testing. Allele origin: germline.
Comment: The p.P506L variant (also known as c.1517C>T), located in coding exon 10 of the BRIP1 gene, results from a C to T substitution at nucleotide position 1517. The proline at codon 506 is replaced by leucine, an amino acid with similar properties. This amino acid position is conserved. In addition, this alteration is predicted to be tolerated by in silico analysis. Since supporting evidence is limited at this time, the clinical significance of this alteration remains unclear.

Labcorp Genetics (formerly Invitae), Labcorp
Classification: Uncertain significance for Familial cancer of breast; Fanconi anemia complementation group J. Last evaluated: 2025-07-24. Review status: criteria provided, single submitter. Criteria: Invitae Variant Classification Sherloc (09022015). Collection method: clinical testing. Allele origin: germline.
Comment: This sequence change replaces proline, which is neutral and non-polar, with leucine, which is neutral and non-polar, at codon 506 of the BRIP1 protein (p.Pro506Leu). This variant is not present in population databases (gnomAD no frequency). This variant has not been reported in the literature in individuals affected with BRIP1-related conditions. ClinVar contains an entry for this variant (Variation ID: 1774339). Invitae Evidence Modeling of protein sequence and biophysical properties (such as structural, functional, and spatial information, amino acid conservation, physicochemical variation, residue mobility, and thermodynamic stability) indicates that this missense variant is not expected to disrupt BRIP1 protein function with a negative predictive value of 95%. In summary, the available evidence is currently insufficient to determine the role of this variant in disease. Therefore, it has been classified as a Variant of Uncertain Significance.

NM_032043.3(BRIP1):c.1517C>T (p.Pro506Leu)

Gene: BRIP1 (BRCA1 interacting DNA helicase 1; minus strand). Cytogenetic location: 17q23.2.
Variant type: single nucleotide variant.
Coding change: c.1517C>T on transcript NM_032043.3 (MANE Select); coding-DNA position 1517, C replaced by T.
Protein change: p.Pro506Leu; replaces proline 506 with leucine.
Molecular consequence: missense variant.
Genome position (GRCh38, 1-based): chr17:61,784,381, G>A on the plus strand (C>T on the coding strand, the complement: BRIP1 is on the minus strand). VCF-style: chr17-61784381-G-A. GRCh37 (hg19) VCF-style: chr17-59861742-G-A.
Other names: short protein forms P506L.
Identifiers: ClinVar variation 1774339 (VCV001774339.8), dbSNP rs2077671171, ClinGen allele CA400481338.